The following is an entry in ClinVar:

NM_001371623.1(TCOF1):c.2151T>A (p.Ser717=)

Gene: TCOF1 (treacle ribosome biogenesis factor 1; plus strand). Cytogenetic location: 5q32.
Variant type: single nucleotide variant.
Coding change: c.2151T>A on transcript NM_001371623.1 (MANE Select); coding-DNA position 2151, T replaced by A.
Protein change: p.Ser717=; no amino-acid change (serine 717 retained).
Molecular consequence: synonymous variant.
Genome position (GRCh38, 1-based): chr5:150,376,431, T>A. VCF-style: chr5-150376431-T-A. GRCh37 (hg19) VCF-style: chr5-149755994-T-A.
Other names: c.1920T>A, p.Ser640= (NM_000356.4, NM_001135245.2); c.2151T>A, p.Ser717= (NM_001008657.3, NM_001135243.2, NM_001135244.2 and 1 more transcripts).
Identifiers: ClinVar variation 766802 (VCV000766802.16), dbSNP rs141764046, ClinGen allele CA3511120.

ClinVar aggregate classification (germline): Benign/Likely benign. Review status: criteria provided, multiple submitters, no conflicts (2 of 4 stars). 4 submissions from 4 submitters: Benign (2); Likely benign (1). 1 of the submissions does not count toward it. Last evaluated 2025-11-29.

Conditions:
Treacher Collins syndrome 1 (TCS1). Also called: TCOF1-Related Treacher Collins Syndrome. Identifiers: Orphanet 861, MedGen CN315775, MONDO:0007944, OMIM 154500.
TCOF1-related disorder. Also called: TCOF1-related condition.

Allele frequency attached by ClinVar (database versions not stated): gnomAD exomes 0.00032; ExAC 0.00043; gnomAD 0.00123 and 0.00135; 1000 Genomes Project 30x 0.00125; TOPMed 0.00129; ESP Exome Variant Server 0.00131; 1000 Genomes Project 0.00140.
gnomAD v4.1: 355 of 1,614,152 alleles (0.022%); highest among the groups gnomAD compares: African/African-American, 0.44%; 2 homozygotes.

Submissions (4):

Labcorp Genetics (formerly Invitae), Labcorp
Classification: Benign for Treacher Collins syndrome 1. Last evaluated: 2025-11-29. Review status: criteria provided, single submitter. Criteria: Invitae Variant Classification Sherloc (09022015). Collection method: clinical testing. Allele origin: germline.

Blueprint Genetics
Classification: Likely benign. Last evaluated: 2024-09-13. Review status: criteria provided, single submitter. Criteria: ACMG Guidelines, 2015. Collection method: clinical testing. Allele origin: germline.

GeneDx
Classification: Benign. Last evaluated: 2019-02-13. Review status: criteria provided, single submitter. Criteria: GeneDx Variant Classification Process June 2021. Collection method: clinical testing. Allele origin: germline. Affected: yes.

PreventionGenetics, part of Exact Sciences
Classification: Benign for TCOF1-related condition. Last evaluated: 2021-05-03. Review status: no assertion criteria provided. Collection method: clinical testing. Allele origin: germline. Not counted in ClinVar's aggregate classification.
Comment: This variant is classified as benign based on ACMG/AMP sequence variant interpretation guidelines (Richards et al. 2015 PMID: 25741868, with internal and published modifications).